The following is an entry in ClinVar:

NM_024753.5(TTC21B):c.3589G>C (p.Glu1197Gln)

Gene: TTC21B (tetratricopeptide repeat domain 21B; minus strand). Cytogenetic location: 2q24.3.
Variant type: single nucleotide variant.
Coding change: c.3589G>C on transcript NM_024753.5 (MANE Select); coding-DNA position 3589, G replaced by C.
Protein change: p.Glu1197Gln; replaces glutamic acid 1197 with glutamine.
Molecular consequence: missense variant.
Genome position (GRCh38, 1-based): chr2:165,883,889, C>G on the plus strand (G>C on the coding strand, the complement: TTC21B is on the minus strand). VCF-style: chr2-165883889-C-G. GRCh37 (hg19) VCF-style: chr2-166740399-C-G.
Other names: short protein forms E1197Q.
Identifiers: ClinVar variation 2421139 (VCV002421139.6), dbSNP rs1420911371, ClinGen allele CA349046821.
Genomic context (GRCh38, chr2:165,883,889, plus strand): 5'-CTGCCATGTCATATTTTGCTGATTGAATGTAAATATCAGCAAGTAGCAGCCAACTCTTCT[C>G]AAACTCTTCAGCATCAATAGCATTCCAATTCATTTTCGCAATACGCTTCAGCTGGTTTCT-3'
Protein context (NP_079029.3, residues 1187-1207): NWNAIDAEEF[Glu1197Gln]KSWLLLADIY

ClinVar aggregate classification (germline): Uncertain significance (1 of 4 stars; one submission).

Conditions:
Nephronophthisis. Also called: Juvenile Nephronophthisis. Identifiers: Orphanet 655, MedGen C0687120, MONDO:0019005, HP:0000090.
Jeune thoracic dystrophy. Also called: Short-rib thoracic dysplasia; Jeune syndrome; Infantile thoracic dystrophy; Thoracic pelvic phalangeal dystrophy; Jeune's syndrome; Chondroectodermal dysplasia-like syndrome. Identifiers: Orphanet 474, MedGen C0265275, MONDO:0018770.

Allele frequency attached by ClinVar (database versions not stated): gnomAD 0.00001; TOPMed 0.00001.
gnomAD v4.1: 1 of 1,614,014 alleles (0.000062%); highest among the groups gnomAD compares: Non-Finnish European, 0.000085%; no homozygotes.

Submission:

Labcorp Genetics (formerly Invitae), Labcorp
Classification: Uncertain significance for Jeune thoracic dystrophy; Nephronophthisis. Last evaluated: 2022-03-14. Review status: criteria provided, single submitter. Criteria: Invitae Variant Classification Sherloc (09022015). Collection method: clinical testing. Allele origin: germline.
Comment: This sequence change replaces glutamic acid, which is acidic and polar, with glutamine, which is neutral and polar, at codon 1197 of the TTC21B protein (p.Glu1197Gln). This variant is not present in population databases (gnomAD no frequency). In summary, the available evidence is currently insufficient to determine the role of this variant in disease. Therefore, it has been classified as a Variant of Uncertain Significance. Algorithms developed to predict the effect of missense changes on protein structure and function are either unavailable or do not agree on the potential impact of this missense change (SIFT: "Deleterious"; PolyPhen-2: "Probably Damaging"; Align-GVGD: "Class C0"). This variant has not been reported in the literature in individuals affected with TTC21B-related conditions.